The following is an entry in ClinVar:

NM_018943.3(TUBA8):c.1186G>T (p.Asp396Tyr)

Gene: TUBA8 (tubulin alpha 8; plus strand). Cytogenetic location: 22q11.21.
Variant type: single nucleotide variant.
Coding change: c.1186G>T on transcript NM_018943.3 (MANE Select); coding-DNA position 1186, G replaced by T.
Protein change: p.Asp396Tyr; replaces aspartic acid 396 with tyrosine.
Molecular consequence: missense variant.
Genome position (GRCh38, 1-based): chr22:18,130,972, G>T. VCF-style: chr22-18130972-G-T. GRCh37 (hg19) VCF-style: chr22-18613739-G-T.
Other names: c.988G>T, p.Asp330Tyr (NM_001193414.2); short protein forms D330Y, D396Y.
Identifiers: ClinVar variation 3616281 (VCV003616281.2).

ClinVar aggregate classification (germline): Uncertain significance (1 of 4 stars; one submission).

gnomAD v4.1: 21 of 1,614,006 alleles (0.0013%); highest among the groups gnomAD compares: Non-Finnish European, 0.0018%; no homozygotes.

Submission:

Labcorp Genetics (formerly Invitae), Labcorp
Classification: Uncertain significance. Last evaluated: 2024-04-25. Review status: criteria provided, single submitter. Criteria: Invitae Variant Classification Sherloc (09022015). Collection method: clinical testing. Allele origin: germline.
Comment: This sequence change replaces aspartic acid, which is acidic and polar, with tyrosine, which is neutral and polar, at codon 396 of the TUBA8 protein (p.Asp396Tyr). This variant is present in population databases (rs146821364, gnomAD 0.007%). This variant has not been reported in the literature in individuals affected with TUBA8-related conditions. Advanced modeling of protein sequence and biophysical properties (such as structural, functional, and spatial information, amino acid conservation, physicochemical variation, residue mobility, and thermodynamic stability) performed at Invitae indicates that this missense variant is expected to disrupt TUBA8 protein function with a positive predictive value of 80%. In summary, the available evidence is currently insufficient to determine the role of this variant in disease. Therefore, it has been classified as a Variant of Uncertain Significance.